The following is an entry in ClinVar:

NM_001358418.3(FAM90A26):c.1153A>G (p.Ser385Gly)

Gene: FAM90A26 (family with sequence similarity 90 member A26; plus strand). Cytogenetic location: 4p16.1.
Variant type: single nucleotide variant.
Coding change: c.1153A>G on transcript NM_001358418.3 (MANE Select); coding-DNA position 1153, A replaced by G.
Protein change: p.Ser385Gly; replaces serine 385 with glycine.
Molecular consequence: missense variant.
Genome position (GRCh38, 1-based): chr4:9,175,925, A>G. VCF-style: chr4-9175925-A-G. GRCh37 (hg19) VCF-style: chr4-9177651-A-G.
Other names: short protein forms S385G.
Identifiers: ClinVar variation 2654660 (VCV002654660.24), dbSNP rs747205587, ClinGen allele CA2854636.

ClinVar aggregate classification (germline): Likely benign (1 of 4 stars; one submission).

Allele frequency attached by ClinVar (database versions not stated): ExAC 0.00026; gnomAD 0.00069.

Submission:

CeGaT Center for Human Genetics Tuebingen
Classification: Likely benign. Last evaluated: 2022-11-01. Review status: criteria provided, single submitter. Criteria: CeGaT Center For Human Genetics Tuebingen Variant Classification Criteria Version 2. Collection method: clinical testing. Allele origin: germline. Affected: yes. Observed: 1 variant allele.
Comment: FAM90A26: BP4, BS2